The following is an entry in ClinVar:

ClinVar aggregate classification (germline): Likely benign (1 of 4 stars; one submission).

Conditions:
ATP11A-related disorder. Also called: ATP11A-related condition.

gnomAD v4.1: 258 of 1,614,212 alleles (0.016%); highest among the groups gnomAD compares: African/African-American, 0.3%; 1 homozygote.

Submission:

PreventionGenetics, part of Exact Sciences
Classification: Likely benign for ATP11A-related condition. Last evaluated: 2025-01-05. Review status: criteria provided, single submitter. Criteria: ACMG Guidelines, 2015. Collection method: clinical testing. Allele origin: germline.
Comment: This variant is classified as likely benign based on ACMG/AMP sequence variant interpretation guidelines (Richards et al. 2015 PMID: 25741868, with internal and published modifications).

NM_015205.3(ATP11A):c.1933G>A (p.Ala645Thr)

Gene: ATP11A (ATPase phospholipid transporting 11A; plus strand). Cytogenetic location: 13q34.
Variant type: single nucleotide variant.
Coding change: c.1933G>A on transcript NM_015205.3 (MANE Select); coding-DNA position 1933, G replaced by A.
Protein change: p.Ala645Thr; replaces alanine 645 with threonine.
Molecular consequence: missense variant.
Genome position (GRCh38, 1-based): chr13:112,851,160, G>A. VCF-style: chr13-112851160-G-A. GRCh37 (hg19) VCF-style: chr13-113505474-G-A.
Other names: c.1933G>A, p.Ala645Thr (NM_001405661.1, NM_001405662.1, NM_001405663.1 and 1 more transcripts); short protein forms A645T.
Identifiers: ClinVar variation 4987138 (VCV004987138.1).